The following is an entry in ClinVar:

NM_014727.3(KMT2B):c.4903C>G (p.Arg1635Gly)

Gene: KMT2B (lysine methyltransferase 2B; plus strand). Cytogenetic location: 19q13.12.
Variant type: single nucleotide variant.
Coding change: c.4903C>G on transcript NM_014727.3 (MANE Select); coding-DNA position 4903, C replaced by G.
Protein change: p.Arg1635Gly; replaces arginine 1635 with glycine.
Molecular consequence: missense variant.
Genome position (GRCh38, 1-based): chr19:35,729,282, C>G. VCF-style: chr19-35729282-C-G. GRCh37 (hg19) VCF-style: chr19-36220183-C-G.
Other names: short protein forms R1635G.
Identifiers: ClinVar variation 3390658 (VCV003390658.1).

ClinVar aggregate classification (germline): Uncertain significance (1 of 4 stars; one submission).

Submission:

GeneDx
Classification: Uncertain significance. Last evaluated: 2024-05-10. Review status: criteria provided, single submitter. Criteria: GeneDx Variant Classification Process June 2021. Collection method: clinical testing. Allele origin: germline. Affected: yes.
Comment: Not observed at significant frequency in large population cohorts (gnomAD); In silico analysis supports that this missense variant has a deleterious effect on protein structure/function; Has not been previously published as pathogenic or benign to our knowledge